The following is an entry in ClinVar:

ClinVar aggregate classification (germline): Benign/Likely benign. Review status: criteria provided, multiple submitters, no conflicts (2 of 4 stars). 4 submissions from 4 submitters: Benign (2); Likely benign (1). 1 of the submissions does not count toward it. Last evaluated 2026-01-26.

Conditions:
ITGB2-related disorder. Also called: ITGB2-related condition.
Leukocyte adhesion deficiency 1 (LAD1). Also called: LEUKOCYTE ADHESION DEFICIENCY, TYPE I; LAD 1; Lymphocyte function-associated antigen 1 immunodeficiency; LFA 1 immunodeficiency. Identifiers: Orphanet 2968, Orphanet 99842, MedGen C0398738, MONDO:0007293, OMIM 116920.

Allele frequency attached by ClinVar (database versions not stated): gnomAD exomes 0.00327; ExAC 0.00419; gnomAD 0.01283 and 0.01380; 1000 Genomes Project 0.01438; TOPMed 0.01448; 1000 Genomes Project 30x 0.01515; ESP Exome Variant Server 0.01515.

Submissions (4):

Labcorp Genetics (formerly Invitae), Labcorp
Classification: Benign for Leukocyte adhesion deficiency 1. Last evaluated: 2026-01-26. Review status: criteria provided, single submitter. Criteria: Invitae Variant Classification Sherloc (09022015). Collection method: clinical testing. Allele origin: germline.

Women's Health and Genetics/Laboratory Corporation of America, LabCorp
Classification: Likely benign. Last evaluated: 2026-01-22. Review status: criteria provided, single submitter. Criteria: LabCorp Variant Classification Summary - May 2015. Collection method: clinical testing. Allele origin: germline.

Illumina Laboratory Services, Illumina
Classification: Benign for Leukocyte adhesion deficiency 1. Last evaluated: 2018-01-13. Review status: criteria provided, single submitter. Criteria: ICSL Variant Classification Criteria 13 December 2019. Collection method: clinical testing. Allele origin: germline.
Comment: This variant was observed in the ICSL laboratory as part of a predisposition screen in an ostensibly healthy population. It had not been previously curated by ICSL or reported in the Human Gene Mutation Database (HGMD: prior to June 1st, 2018), and was therefore a candidate for classification through an automated scoring system. Utilizing variant allele frequency, disease prevalence and penetrance estimates, and inheritance mode, an automated score was calculated to assess if this variant is too frequent to cause the disease. Based on the score and internal cut-off values, a variant classified as benign is not then subjected to further curation. The score for this variant resulted in a classification of benign for this disease.

PreventionGenetics, part of Exact Sciences
Classification: Benign for ITGB2-related condition. Last evaluated: 2019-03-29. Review status: no assertion criteria provided. Collection method: clinical testing. Allele origin: germline. Not counted in ClinVar's aggregate classification.
Comment: This variant is classified as benign based on ACMG/AMP sequence variant interpretation guidelines (Richards et al. 2015 PMID: 25741868, with internal and published modifications).

NM_000211.5(ITGB2):c.1657+9G>A

Gene: ITGB2 (integrin subunit beta 2; minus strand). Cytogenetic location: 21q22.3.
Variant type: single nucleotide variant.
Coding change: c.1657+9G>A on transcript NM_000211.5 (MANE Select); 9 bases into the intron after coding-DNA position 1657, G replaced by A.
Molecular consequence: intron variant.
Genome position (GRCh38, 1-based): chr21:44,889,969, C>T on the plus strand (G>A on the coding strand, the complement: ITGB2 is on the minus strand). VCF-style: chr21-44889969-C-T. GRCh37 (hg19) VCF-style: chr21-46309884-C-T.
Other names: c.1657+9G>A (NM_001127491.3); c.1450+9G>A (NM_001303238.2).
Identifiers: ClinVar variation 461473 (VCV000461473.18), dbSNP rs114479227, ClinGen allele CA10062759.
Genomic context (GRCh38, chr21:44,889,969, plus strand): 5'-GAACGCACCCCCCAACACCAAGTCTGTGCCGCAGGACGGCCGTTGTCCAGCAGGGACCCA[C>T]GGGCTCACCCGGGCCGCCGCAGACCTGGCCGTTGTAGCGCTCACAGTTGATGGTGTCACA-3'